The following is an entry in ClinVar:

ClinVar aggregate classification (germline): Uncertain significance (1 of 4 stars; one submission).

Submission:

Labcorp Genetics (formerly Invitae), Labcorp
Classification: Uncertain significance. Last evaluated: 2022-02-22. Review status: criteria provided, single submitter. Criteria: Invitae Variant Classification Sherloc (09022015). Collection method: clinical testing. Allele origin: germline.
Comment: In summary, the available evidence is currently insufficient to determine the role of this variant in disease. Therefore, it has been classified as a Variant of Uncertain Significance. Algorithms developed to predict the effect of missense changes on protein structure and function are either unavailable or do not agree on the potential impact of this missense change (SIFT: "Deleterious"; PolyPhen-2: "Benign"; Align-GVGD: "Class C35"). This variant has not been reported in the literature in individuals affected with PPA2-related conditions. This variant is not present in population databases (gnomAD no frequency). This sequence change replaces isoleucine, which is neutral and non-polar, with serine, which is neutral and polar, at codon 95 of the PPA2 protein (p.Ile95Ser).

NM_176869.3(PPA2):c.284T>G (p.Ile95Ser)

Gene: PPA2 (inorganic pyrophosphatase 2; minus strand). Cytogenetic location: 4q24.
Variant type: single nucleotide variant.
Coding change: c.284T>G on transcript NM_176869.3 (MANE Select); coding-DNA position 284, T replaced by G.
Protein change: p.Ile95Ser; replaces isoleucine 95 with serine.
Molecular consequence: missense variant. On other transcripts: intron variant (2).
Genome position (GRCh38, 1-based): chr4:105,449,387, A>C on the plus strand (T>G on the coding strand, the complement: PPA2 is on the minus strand). VCF-style: chr4-105449387-A-C. GRCh37 (hg19) VCF-style: chr4-106370544-A-C.
Other names: c.284T>G, p.Ile95Ser (NM_006903.4); c.157+24507T>G (NM_176867.3); c.222+7294T>G (NM_176866.2); short protein forms I95S.
Identifiers: ClinVar variation 2101408 (VCV002101408.4), dbSNP rs2477255765, ClinGen allele CA357803608.